The following is an entry in ClinVar:

NM_004482.4(GALNT3):c.1387_1390delAAAC (p.Gln464fs)

Gene: GALNT3 (polypeptide N-acetylgalactosaminyltransferase 3; minus strand). Cytogenetic location: 2q24.3.
Variant type: Deletion.
Coding change: c.1387_1390delAAAC on transcript NM_004482.4 (MANE Select); coding-DNA positions 1387 to 1390, AAAC deleted.
Protein change: p.Gln464fs; shifts the reading frame from glutamine 464.
Molecular consequence: frameshift variant.
Genome position: GRCh38 VCF-style: chr2-165757046-CTTGT-C. GRCh37 (hg19) VCF-style: chr2-166613556-CTTGT-C.
Other names: short protein forms Q464fs.
Identifiers: ClinVar variation 2089704 (VCV002089704.4), dbSNP rs1384750316, ClinGen allele CA349033982.

ClinVar aggregate classification (germline): Pathogenic (1 of 4 stars; one submission).

Submission:

Labcorp Genetics (formerly Invitae), Labcorp
Classification: Pathogenic. Last evaluated: 2022-08-22. Review status: criteria provided, single submitter. Criteria: Invitae Variant Classification Sherloc (09022015). Collection method: clinical testing. Allele origin: germline.
Comment: This sequence change creates a premature translational stop signal (p.Gln464Lysfs*12) in the GALNT3 gene. It is expected to result in an absent or disrupted protein product. Loss-of-function variants in GALNT3 are known to be pathogenic (PMID: 15133511, 20358599). This variant is not present in population databases (gnomAD no frequency). This variant has not been reported in the literature in individuals affected with GALNT3-related conditions. Algorithms developed to predict the effect of sequence changes on RNA splicing suggest that this variant may disrupt the consensus splice site. For these reasons, this variant has been classified as Pathogenic.

Literature cited by the submitters: PubMed 15133511; PubMed 20358599.